The following is an entry in ClinVar:

NM_015215.4(CAMTA1):c.2792G>C (p.Gly931Ala)

Gene: CAMTA1 (calmodulin binding transcription activator 1; plus strand). Cytogenetic location: 1p36.23.
Variant type: single nucleotide variant.
Coding change: c.2792G>C on transcript NM_015215.4 (MANE Select); coding-DNA position 2792, G replaced by C.
Protein change: p.Gly931Ala; replaces glycine 931 with alanine.
Molecular consequence: missense variant. On other transcripts: 5 prime UTR variant (6).
Genome position (GRCh38, 1-based): chr1:7,677,611, G>C. VCF-style: chr1-7677611-G-C. GRCh37 (hg19) VCF-style: chr1-7737671-G-C.
Other names: c.2720G>C, p.Gly907Ala (NM_001410738.1); c.2702G>C, p.Gly901Ala (NM_001349608.2, NM_001349612.2); c.2792G>C, p.Gly931Ala (NM_001349609.2, NM_001349610.2, NM_001410737.1); c.-137G>C (NM_001349614.1, NM_001349617.1, NM_001349620.1 and 3 more transcripts); short protein forms G901A, G907A, G931A.
Identifiers: ClinVar variation 4074563 (VCV004074563.2).

ClinVar aggregate classification (germline): Uncertain significance (1 of 4 stars; one submission).

Submission:

GeneDx
Classification: Uncertain significance. Last evaluated: 2026-05-06. Review status: criteria provided, single submitter. Criteria: GeneDx Variant Classification Process June 2021. Collection method: clinical testing. Allele origin: germline.
Comment: Not observed at significant frequency in large population cohorts (gnomAD); In silico analysis supports that this missense variant has a deleterious effect on protein structure/function; Has not been previously published as pathogenic or benign to our knowledge